The following is an entry in ClinVar:

NM_001374828.1(ARID1B):c.5763T>A (p.Phe1921Leu)

Gene: ARID1B (AT-rich interaction domain 1B; plus strand). Cytogenetic location: 6q25.3.
Variant type: single nucleotide variant.
Coding change: c.5763T>A on transcript NM_001374828.1 (MANE Select); coding-DNA position 5763, T replaced by A.
Protein change: p.Phe1921Leu; replaces phenylalanine 1921 with leucine.
Molecular consequence: missense variant.
Genome position (GRCh38, 1-based): chr6:157,206,535, T>A. VCF-style: chr6-157206535-T-A. GRCh37 (hg19) VCF-style: chr6-157527669-T-A.
Other names: c.5514T>A, p.Phe1838Leu (NM_001346813.1); c.3264T>A, p.Phe1088Leu (NM_001363725.2); c.5643T>A, p.Phe1881Leu (NM_001371656.1, NM_001374820.1); c.5604T>A, p.Phe1868Leu (NM_017519.3); c.5394T>A, p.Phe1798Leu (NM_020732.3); c.5181T>A, p.Phe1727Leu (NM_175863.2); short protein forms F1088L, F1881L, F1921L, F1798L, F1727L, F1838L, F1868L.
Identifiers: ClinVar variation 1970232 (VCV001970232.5), dbSNP rs1456409388, ClinGen allele CA366246801.
Genomic context (GRCh38, chr6:157,206,535, plus strand): 5'-CAAGCAAGCCAGTAAGTTCGACAAGCTGCCAATAAAGATAGTCAAAAAGAACAACCTGTT[T>A]GTTGTTGACCGATCTGACAAGTTGGGGCGTGTGCAGGAGTTCAATAGTGGCCTTCTGCAC-3'
Protein context (NP_001361757.1, residues 1911-1931): PIKIVKKNNL[Phe1921Leu]VVDRSDKLGR

ClinVar aggregate classification (germline): Uncertain significance (1 of 4 stars; one submission).

gnomAD v4.1: 1 of 1,614,052 alleles (0.000062%); highest among the groups gnomAD compares: Admixed American, 0.0017%; no homozygotes.

Submission:

Labcorp Genetics (formerly Invitae), Labcorp
Classification: Uncertain significance. Last evaluated: 2023-12-18. Review status: criteria provided, single submitter. Criteria: Invitae Variant Classification Sherloc (09022015). Collection method: clinical testing. Allele origin: germline.
Comment: This sequence change replaces phenylalanine, which is neutral and non-polar, with leucine, which is neutral and non-polar, at codon 1798 of the ARID1B protein (p.Phe1798Leu). This variant is present in population databases (no rsID available, gnomAD 0.003%). This variant has not been reported in the literature in individuals affected with ARID1B-related conditions. ClinVar contains an entry for this variant (Variation ID: 1970232). Advanced modeling of protein sequence and biophysical properties (such as structural, functional, and spatial information, amino acid conservation, physicochemical variation, residue mobility, and thermodynamic stability) has been performed at Invitae for this missense variant, however the output from this modeling did not meet the statistical confidence thresholds required to predict the impact of this variant on ARID1B protein function. In summary, the available evidence is currently insufficient to determine the role of this variant in disease. Therefore, it has been classified as a Variant of Uncertain Significance.